The following is an entry in ClinVar:

ClinVar aggregate classification (germline): Uncertain significance (1 of 4 stars; one submission).

Conditions:
Hereditary motor and sensory neuropathy, Okinawa type (HMSNO). Also called: HEREDITARY MOTOR AND SENSORY NEUROPATHY, PROXIMAL TYPE. Identifiers: Orphanet 90117, MedGen C1858338, MONDO:0011468, OMIM 604484.
Hereditary spastic paraplegia 57. Also called: Spastic paraplegia 57, autosomal recessive. Identifiers: Orphanet 431329, MedGen C3714897, MONDO:0014295, OMIM 615658.

Submission:

Labcorp Genetics (formerly Invitae), Labcorp
Classification: Uncertain significance for Hereditary motor and sensory neuropathy, Okinawa type; Hereditary spastic paraplegia 57. Last evaluated: 2022-06-27. Review status: criteria provided, single submitter. Criteria: Invitae Variant Classification Sherloc (09022015). Collection method: clinical testing. Allele origin: germline.
Comment: This variant has not been reported in the literature in individuals affected with TFG-related conditions. This variant is not present in population databases (gnomAD no frequency). This sequence change replaces aspartic acid, which is acidic and polar, with valine, which is neutral and non-polar, at codon 34 of the TFG protein (p.Asp34Val). Algorithms developed to predict the effect of missense changes on protein structure and function (SIFT, PolyPhen-2, Align-GVGD) all suggest that this variant is likely to be disruptive. In summary, the available evidence is currently insufficient to determine the role of this variant in disease. Therefore, it has been classified as a Variant of Uncertain Significance.

NM_006070.6(TFG):c.101A>T (p.Asp34Val)

Gene: TFG (trafficking from ER to golgi regulator; plus strand). Cytogenetic location: 3q12.2.
Variant type: single nucleotide variant.
Coding change: c.101A>T on transcript NM_006070.6 (MANE Select); coding-DNA position 101, A replaced by T.
Protein change: p.Asp34Val; replaces aspartic acid 34 with valine.
Molecular consequence: missense variant.
Genome position (GRCh38, 1-based): chr3:100,713,786, A>T. VCF-style: chr3-100713786-A-T. GRCh37 (hg19) VCF-style: chr3-100432630-A-T.
Other names: c.101A>T, p.Asp34Val (NM_001007565.2, NM_001195478.2, NM_001195479.2); short protein forms D34V.
Identifiers: ClinVar variation 2011413 (VCV002011413.4), dbSNP rs2472057133, ClinGen allele CA353836961.
Genomic context (GRCh38, chr3:100,713,786, plus strand): 5'-AAGCTCAACTTGGGGAGGATATTCGGCGAATTCCTATTCATAATGAAGATATTACTTATG[A>T]TGAATTAGTGCTAATGATGCAACGAGTTTTCAGAGGAAAACTTCTGAGTAATGATGAAGT-3'
Protein context (NP_006061.2, residues 24-44): IPIHNEDITY[Asp34Val]ELVLMMQRVF